The following is an entry in ClinVar:

ClinVar aggregate classification (germline): Uncertain significance (1 of 4 stars; one submission).

Submission:

Labcorp Genetics (formerly Invitae), Labcorp
Classification: Uncertain significance. Last evaluated: 2025-04-10. Review status: criteria provided, single submitter. Criteria: Invitae Variant Classification Sherloc (09022015). Collection method: clinical testing. Allele origin: germline.
Comment: This sequence change replaces glycine, which is neutral and non-polar, with arginine, which is basic and polar, at codon 28 of the KMT2A protein (p.Gly28Arg). The frequency data for this variant in the population databases is considered unreliable, as metrics indicate insufficient coverage at this position in the gnomAD database. This variant has not been reported in the literature in individuals affected with KMT2A-related conditions. ClinVar contains an entry for this variant (Variation ID: 2742776). Invitae Evidence Modeling of protein sequence and biophysical properties (such as structural, functional, and spatial information, amino acid conservation, physicochemical variation, residue mobility, and thermodynamic stability) has been performed for this missense variant. However, the output from this modeling did not meet the statistical confidence thresholds required to predict the impact of this variant on KMT2A protein function. In summary, the available evidence is currently insufficient to determine the role of this variant in disease. Therefore, it has been classified as a Variant of Uncertain Significance.

NM_001197104.2(KMT2A):c.82G>A (p.Gly28Arg)

Gene: KMT2A (lysine methyltransferase 2A; plus strand). Cytogenetic location: 11q23.3.
Variant type: single nucleotide variant.
Coding change: c.82G>A on transcript NM_001197104.2 (MANE Select); coding-DNA position 82, G replaced by A.
Protein change: p.Gly28Arg; replaces glycine 28 with arginine.
Molecular consequence: missense variant.
Genome position (GRCh38, 1-based): chr11:118,436,594, G>A. VCF-style: chr11-118436594-G-A. GRCh37 (hg19) VCF-style: chr11-118307309-G-A.
Other names: c.82G>A, p.Gly28Arg (NM_001412597.1, NM_005933.4); short protein forms G28R.
Identifiers: ClinVar variation 2742776 (VCV002742776.3), dbSNP rs782113710, ClinGen allele CA382797077.
Genomic context (GRCh38, chr11:118,436,594, plus strand): 5'-CGCTTCCCCGCCCGACCCGGGACCACCGGGGGCGGCGGCGGCGGGGGGCGCCGGGGCCTA[G>A]GGGGCGCCCCGCGGCAACGCGTCCCGGCCCTGCTGCTTCCCCCCGGGCCCCCGGTCGGCG-3'
Protein context (NP_001184033.1, residues 18-38): GGGGGGRRGL[Gly28Arg]GAPRQRVPAL